The following is an entry in ClinVar:

ClinVar aggregate classification (germline): Uncertain significance. Review status: criteria provided, multiple submitters, no conflicts (2 of 4 stars). 2 submissions from 2 submitters: Uncertain significance (2). Last evaluated 2025-08-27.

Conditions:
Inborn genetic diseases. Identifiers: MedGen C0950123, MeSH D030342.
Deficiency of acetyl-CoA acetyltransferase. Also called: 3-KETOTHIOLASE DEFICIENCY; 3-OXOTHIOLASE DEFICIENCY; MITOCHONDRIAL ACETOACETYL-CoA THIOLASE DEFICIENCY; Beta-ketothiolase deficiency. Identifiers: Orphanet 134, MedGen C1536500, MONDO:0008760, OMIM 203750. Disease mechanism: loss of function.

Allele frequency attached by ClinVar (database versions not stated): gnomAD exomes 0.00001 and 0.00003; TOPMed 0.00001.
gnomAD v4.1: 39 of 1,614,112 alleles (0.0024%); highest among the groups gnomAD compares: Non-Finnish European, 0.0033%; no homozygotes.

Submissions (2):

Ambry Genetics
Classification: Uncertain significance for Inborn genetic diseases. Last evaluated: 2025-08-27. Review status: criteria provided, single submitter. Criteria: Ambry Variant Classification Scheme 2023. Collection method: clinical testing. Allele origin: germline.

Labcorp Genetics (formerly Invitae), Labcorp
Classification: Uncertain significance for Deficiency of acetyl-CoA acetyltransferase. Last evaluated: 2024-05-08. Review status: criteria provided, single submitter. Criteria: Invitae Variant Classification Sherloc (09022015). Collection method: clinical testing. Allele origin: germline.
Comment: This sequence change replaces isoleucine, which is neutral and non-polar, with methionine, which is neutral and non-polar, at codon 70 of the ACAT1 protein (p.Ile70Met). This variant is present in population databases (no rsID available, gnomAD 0.002%). This variant has not been reported in the literature in individuals affected with ACAT1-related conditions. ClinVar contains an entry for this variant (Variation ID: 1413476). Advanced modeling of protein sequence and biophysical properties (such as structural, functional, and spatial information, amino acid conservation, physicochemical variation, residue mobility, and thermodynamic stability) performed at Invitae indicates that this missense variant is expected to disrupt ACAT1 protein function with a positive predictive value of 80%. In summary, the available evidence is currently insufficient to determine the role of this variant in disease. Therefore, it has been classified as a Variant of Uncertain Significance.

NM_000019.4(ACAT1):c.210T>G (p.Ile70Met)

Gene: ACAT1 (acetyl-CoA acetyltransferase 1; plus strand). Cytogenetic location: 11q22.3.
Variant type: single nucleotide variant.
Coding change: c.210T>G on transcript NM_000019.4 (MANE Select); coding-DNA position 210, T replaced by G.
Protein change: p.Ile70Met; replaces isoleucine 70 with methionine.
Molecular consequence: missense variant. On other transcripts: 5 prime UTR variant (10), non-coding transcript variant (2), intron variant (1).
Genome position (GRCh38, 1-based): chr11:108,133,909, T>G. VCF-style: chr11-108133909-T-G. GRCh37 (hg19) VCF-style: chr11-108004636-T-G.
Other names: c.210T>G (NM_000019.3); c.210T>G, p.Ile70Met (NM_001386677.1); c.-68T>G (NM_001386679.1); c.-61T>G (NM_001386681.1, NM_001386682.1, NM_001386685.1 and 6 more transcripts); c.120+1955T>G (NM_001386678.1); short protein forms I70M.
Identifiers: ClinVar variation 1413476 (VCV001413476.9), dbSNP rs1465674363, ClinGen allele CA382506386.